The following is an entry in ClinVar:

NM_014249.4(NR2E3):c.571+3G>A

Gene: NR2E3 (nuclear receptor subfamily 2 group E member 3; plus strand). Cytogenetic location: 15q23.
Variant type: single nucleotide variant.
Coding change: c.571+3G>A on transcript NM_014249.4 (MANE Select); 3 bases into the intron after coding-DNA position 571, G replaced by A.
Molecular consequence: intron variant.
Genome position (GRCh38, 1-based): chr15:71,812,179, G>A. VCF-style: chr15-71812179-G-A. GRCh37 (hg19) VCF-style: chr15-72104519-G-A.
Other names: c.571+3G>A (NM_016346.4).
Identifiers: ClinVar variation 4722261 (VCV004722261.1).

ClinVar aggregate classification (germline): Uncertain significance (1 of 4 stars; one submission).

gnomAD v4.1: 1 of 1,588,308 alleles (0.000063%); highest among the groups gnomAD compares: South Asian, 0.0011%; no homozygotes.

Submission:

Labcorp Genetics (formerly Invitae), Labcorp
Classification: Uncertain significance. Last evaluated: 2025-06-27. Review status: criteria provided, single submitter. Criteria: Invitae Variant Classification Sherloc (09022015). Collection method: clinical testing. Allele origin: germline.
Comment: This sequence change falls in intron 4 of the NR2E3 gene. It does not directly change the encoded amino acid sequence of the NR2E3 protein. It affects a nucleotide within the consensus splice site. This variant is not present in population databases (gnomAD no frequency). This variant has not been reported in the literature in individuals affected with NR2E3-related conditions. Variants that disrupt the consensus splice site are a relatively common cause of aberrant splicing (PMID: 17576681, 9536098). Algorithms developed to predict the effect of sequence changes on RNA splicing suggest that this variant is not likely to affect RNA splicing. In summary, the available evidence is currently insufficient to determine the role of this variant in disease. Therefore, it has been classified as a Variant of Uncertain Significance.

Literature cited by the submitters: PubMed 17576681; PubMed 9536098.